The following is an entry in ClinVar:

NM_017780.4(CHD7):c.1058del (p.Phe353fs)

Gene: CHD7 (chromodomain helicase DNA binding protein 7; plus strand). Cytogenetic location: 8q12.2.
Variant type: Deletion.
Coding change: c.1058del on transcript NM_017780.4 (MANE Select); coding-DNA position 1058, one base deleted (T; older notation c.1058delT).
Protein change: p.Phe353fs; shifts the reading frame from phenylalanine 353.
Molecular consequence: frameshift variant.
Genome position (GRCh38, 1-based): chr8:60,742,490, T deleted; the last of 2 consecutive T bases (chr8:60,742,489-60,742,490); deleting either gives the same sequence. VCF-style (leftmost placement, unchanged base first): chr8-60742488-AT-A. GRCh37 (hg19) VCF-style: chr8-61655047-AT-A.
Other names: c.1058del, p.Phe353fs (NM_001316690.1); short protein forms F353fs.
Identifiers: ClinVar variation 411185 (VCV000411185.6), dbSNP rs1060503184, ClinGen allele CA16612338.

ClinVar aggregate classification (germline): Pathogenic (1 of 4 stars; one submission).

Conditions:
CHARGE syndrome (CHARGE). Also called: CHARGE ASSOCIATION--COLOBOMA, HEART ANOMALY, CHOANAL ATRESIA, RETARDATION, GENITAL AND EAR ANOMALIES; Coloboma, heart anomaly, choanal atresia, retardation, genital and ear anomalies; CHARGE association; Hall-Hittner syndrome; Hittner Hirsch Kreh syndrome. Identifiers: Orphanet 138, MedGen C0265354, MONDO:0008965.

Submission:

Labcorp Genetics (formerly Invitae), Labcorp
Classification: Pathogenic for CHARGE syndrome. Last evaluated: 2016-05-30. Review status: criteria provided, single submitter. Criteria: Invitae Variant Classification Sherloc (09022015). Collection method: clinical testing. Allele origin: germline.
Comment: For these reasons, this variant has been classified as Pathogenic. While this particular variant has not been reported in the literature, truncating variants in CHD7 are known to be pathogenic (PMID: 16400610, 22461308). This sequence change deletes 1 nucleotide from exon 2 of the CHD7 mRNA (c.1058delT), causing a frameshift at codon 353. This creates a premature translational stop signal (p.Phe353Serfs*9) and is expected to result in an absent or disrupted protein product.

Literature cited by the submitters: PubMed 16400610; PubMed 22461308.